The following is an entry in ClinVar:

ClinVar aggregate classification (germline): Uncertain significance (1 of 4 stars; one submission).

Conditions:
Ehlers-Danlos syndrome, classic type, 1 (EDSCL1). Also called: EHLERS-DANLOS SYNDROME, GRAVIS TYPE; EHLERS-DANLOS SYNDROME, SEVERE CLASSIC TYPE; Ehlers-Danlos Syndrome, Classic Type, COL5A1-Related; EDS I; Ehlers-Danlos syndrome, type 1. Identifiers: MedGen C0268335, MONDO:0019567, OMIM 130000.

Submission:

Labcorp Genetics (formerly Invitae), Labcorp
Classification: Uncertain significance for Ehlers-Danlos syndrome, classic type, 1. Last evaluated: 2016-12-08. Review status: criteria provided, single submitter. Criteria: Invitae Variant Classification Sherloc (09022015). Collection method: clinical testing. Allele origin: germline.
Comment: In summary, this variant is a novel missense change that affects a glycine residue predicted to be important for COL5A1 protein function. However, the available evidence is currently insufficient to make a definite classification. Therefore, it has been classified as a Variant of Uncertain Significance. Glycine residues within the triple helix region are important for fibrillar collagens structure and stability (PMID: 7695699, 8218237, 19344236). In the case of COL5A1, missense substitutions affecting glycine residues are overrepressented among patients with Ehlers-Danlos syndrome (EDS) although the number of patients described so far is too limited to reach significance (PMID: 22696272, 23587214). This variant is not present in population databases (ExAC no frequency) and has not been reported in the literature in individuals with a COL5A1-related disease. This sequence change replaces glycine with aspartic acid at codon 1195 of the COL5A1 protein (p.Gly1195Asp). The glycine residue is highly conserved and there is a moderate physicochemical difference between glycine and aspartic acid.

Literature cited by the submitters: PubMed 7695699; PubMed 8218237; PubMed 19344236; PubMed 22696272; PubMed 23587214.

NM_000093.5(COL5A1):c.3584_3585delinsAT (p.Gly1195Asp)

Gene: COL5A1 (collagen type V alpha 1 chain; plus strand). Cytogenetic location: 9q34.3.
Variant type: Indel.
Coding change: c.3584_3585delinsAT on transcript NM_000093.5 (MANE Select); coding-DNA positions 3584 to 3585, GA replaced by AT.
Protein change: p.Gly1195Asp; replaces glycine 1195 with aspartic acid.
Molecular consequence: missense variant.
Genome position (GRCh38, 1-based): chr9:134,811,493-134,811,494, GA replaced by AT. VCF-style: chr9-134811493-GA-AT. GRCh37 (hg19) VCF-style: chr9-137703339-GA-AT.
Other names: c.3584_3585delGAinsAT (NM_000093.4); c.3584_3585delinsAT, p.Gly1195Asp (NM_001278074.1); short protein forms G1195D.
Identifiers: ClinVar variation 409093 (VCV000409093.10), dbSNP rs1060502247, ClinGen allele CA16612672.
Genomic context (GRCh38, chr9:134,811,493, plus strand): 5'-CCCCCCAGAGCTGCTGGCATTGCCAGCATCCTCACCCATGGCCGGTTATTTCCCTGCAGG[GA>AT]GCTGACGGCGAGCCGGGGCCTCGGGGCCAGCAGGGCCTTTTCGGGCAGAAAGGTGATGAA-3'
Protein context (NP_000084.3, residues 1185-1205): QGPIGQPGPS[Gly1195Asp]ADGEPGPRGQ